The following is an entry in ClinVar:

NM_000071.3(CBS):c.316+524G>A

Gene: CBS (cystathionine beta-synthase; minus strand). Cytogenetic location: 21q22.3.
Variant type: single nucleotide variant.
Coding change: c.316+524G>A on transcript NM_000071.3 (MANE Select); 524 bases into the intron after coding-DNA position 316, G replaced by A.
Molecular consequence: intron variant. On other transcripts: 5 prime UTR variant (1).
Genome position (GRCh38, 1-based): chr21:43,067,985, C>T on the plus strand (G>A on the coding strand, the complement: CBS is on the minus strand). VCF-style: chr21-43067985-C-T. GRCh37 (hg19) VCF-style: chr21-44488095-C-T.
Other names: c.-207G>A (NM_001321072.1); c.316+524G>A (NM_001320298.2, NM_001178009.3, NM_001178008.3).
Identifiers: ClinVar variation 1879542 (VCV001879542.29), dbSNP rs570552630, ClinGen allele CA321099785.
Genomic context (GRCh38, chr21:43,067,985, plus strand): 5'-CTTGAGCCTGGAAACTGCGTCCTGCAAAGAAATGCCCTTCCCCGGAGGCCTCAGACCACA[C>T]CTCAGGTGACCCCCTGCGCACCCAGGACGAGGCCAGCCACAGACCCTCCAAATTCCCATT-3'

ClinVar aggregate classification (germline): Likely benign. Review status: criteria provided, multiple submitters, no conflicts (2 of 4 stars). 2 submissions from 2 submitters: Likely benign (2). Last evaluated 2025-04-09.

Allele frequency attached by ClinVar (database versions not stated): 1000 Genomes Project 30x 0.00016; 1000 Genomes Project 0.00020.

Submissions (2):

Molecular Diagnostic Laboratory for Inherited Cardiovascular Disease, Montreal Heart Institute
Classification: Likely benign. Last evaluated: 2025-04-09. Review status: criteria provided, single submitter. Criteria: ACMG Guidelines, 2015. Collection method: clinical testing. Allele origin: germline. Affected: no.

CeGaT Center for Human Genetics Tuebingen
Classification: Likely benign. Last evaluated: 2022-11-01. Review status: criteria provided, single submitter. Criteria: CeGaT Center For Human Genetics Tuebingen Variant Classification Criteria Version 2. Collection method: clinical testing. Allele origin: germline. Affected: yes. Observed: 1 variant allele.
Comment: CBS: BS2; ENSG00000274276: BS2